The following is an entry in ClinVar:

NM_001844.5(COL2A1):c.531+295G>A

Gene: COL2A1 (collagen type II alpha 1 chain; minus strand). Cytogenetic location: 12q13.11.
Variant type: single nucleotide variant.
Coding change: c.531+295G>A on transcript NM_001844.5 (MANE Select); 295 bases into the intron after coding-DNA position 531, G replaced by A.
Molecular consequence: intron variant.
Genome position (GRCh38, 1-based): chr12:47,997,311, C>T on the plus strand (G>A on the coding strand, the complement: COL2A1 is on the minus strand). VCF-style: chr12-47997311-C-T. GRCh37 (hg19) VCF-style: chr12-48391094-C-T.
Other names: c.324+295G>A (NM_033150.3).
Identifiers: ClinVar variation 668953 (VCV000668953.2), dbSNP rs56037230, ClinGen allele CA13754484.
Genomic context (GRCh38, chr12:47,997,311, plus strand): 5'-TTCCAAGGACAGTGGTCACTCGTCTTCCAGGGAAATACAAGTGCCCAGTCATCCTTCCTC[C>T]TATCCCTTACACCCACCCCCCAGCATCAACTACGTGGTACAGATGCCAGGAAGCCAGGTA-3'

ClinVar aggregate classification (germline): Benign. Review status: criteria provided, multiple submitters, no conflicts (2 of 4 stars). 2 submissions from 2 submitters: Benign (2). Last evaluated 2018-06-18.

Allele frequency attached by ClinVar (database versions not stated): gnomAD 0.20336 and 0.20625; TOPMed 0.20839; 1000 Genomes Project 30x 0.21783; 1000 Genomes Project 0.22065.
gnomAD v4.1: 31,321 of 152,220 alleles (21%); highest among the groups gnomAD compares: East Asian, 33%; 3,443 homozygotes.

Submissions (2):

GeneDx
Classification: Benign. Last evaluated: 2018-06-18. Review status: criteria provided, single submitter. Criteria: GeneDx Variant Classification (06012015). Collection method: clinical testing. Allele origin: germline. Affected: yes.
Comment: This variant is considered likely benign or benign based on one or more of the following criteria: it is a conservative change, it occurs at a poorly conserved position in the protein, it is predicted to be benign by multiple in silico algorithms, and/or has population frequency not consistent with disease.

Breakthrough Genomics
Classification: Benign. Review status: criteria provided, single submitter. Criteria: ACMG Guidelines, 2015. Collection method: not provided. Allele origin: germline. Inheritance: Autosomal dominant inheritance. Affected: yes.